The following is an entry in ClinVar:

NM_000030.3(AGXT):c.517T>C (p.Cys173Arg)

Gene: AGXT (alanine--glyoxylate aminotransferase; plus strand). Cytogenetic location: 2q37.3.
Variant type: single nucleotide variant.
Coding change: c.517T>C on transcript NM_000030.3 (MANE Select); coding-DNA position 517, T replaced by C.
Protein change: p.Cys173Arg; replaces cysteine 173 with arginine.
Molecular consequence: missense variant.
Genome position (GRCh38, 1-based): chr2:240,871,442, T>C. VCF-style: chr2-240871442-T-C. GRCh37 (hg19) VCF-style: chr2-241810859-T-C.
Other names: short protein forms C173R.
Identifiers: ClinVar variation 2675194 (VCV002675194.4), dbSNP rs2106428650, ClinGen allele CA351316162.

ClinVar aggregate classification (germline): Conflicting classifications of pathogenicity. Review status: criteria provided, conflicting classifications (1 of 4 stars). 4 submissions from 4 submitters: Pathogenic (1); Likely pathogenic (2); Uncertain significance (1). Last evaluated 2025-09-12.

Conditions:
Primary hyperoxaluria, type I (HP1). Also called: GLYCOLIC ACIDURIA; HEPATIC AGT DEFICIENCY; OXALOSIS I; Primary hyperoxaluria type 1. Identifiers: Orphanet 416, Orphanet 93598, MedGen C0268164, MONDO:0009823, OMIM 259900. Disease mechanism: loss of function.

Submissions (4):

Natera, Inc.
Classification: Likely pathogenic for Primary hyperoxaluria type I. Last evaluated: 2025-09-12. Review status: criteria provided, single submitter. Criteria: Natera Variant Classification Schema (03/2026). Collection method: clinical testing. Allele origin: germline.
Comment: The c.517T>C variant in AGXT is a missense variant predicted to cause substitution of cysteine to arginine at amino acid 173. This variant is rare in the general population with a frequency below the threshold expected for the associated phenotype(s). This variant has been observed in one or more individuals affected with the associated recessive disease, as either homozygous or compound heterozygous with a second variant (PMID: 30787879). Additionally, this variant has been observed to segregate in affected family members (PMID: 30787879). Computational prediction algorithms indicate this variant is likely to affect gene or protein function. Given the available evidence, this variant is classified as Likely Pathogenic.

Women's Health and Genetics/Laboratory Corporation of America, LabCorp
Classification: Uncertain significance. Last evaluated: 2025-09-05. Review status: criteria provided, single submitter. Criteria: LabCorp Variant Classification Summary - May 2015. Collection method: clinical testing. Allele origin: germline.
Comment: Variant summary: AGXT c.517T>C (p.Cys173Arg) results in a non-conservative amino acid change in the encoded protein sequence. Algorithms developed to predict the effect of missense changes on protein structure and function all suggest that this variant is likely to be disruptive. The variant was absent in 201644 control chromosomes. c.517T>C has been observed in individual(s) affected with Primary Hyperoxaluria Type 1 (example: Lu_2019). These data indicate that the variant may be associated with disease. To our knowledge, no experimental evidence demonstrating an impact on protein function has been reported. The following publication has been ascertained in the context of this evaluation (PMID: 30787879). ClinVar contains an entry for this variant (Variation ID: 2675194). Based on the evidence outlined above, the variant was classified as VUS-possibly pathogenic.

Baylor Genetics
Classification: Likely pathogenic for Primary hyperoxaluria, type I. Last evaluated: 2023-11-17. Review status: criteria provided, single submitter. Criteria: ACMG Guidelines, 2015. Collection method: clinical testing. Allele origin: unknown.

Clinical Biochemistry Laboratory, Health Services Laboratory
Classification: Pathogenic for Primary hyperoxaluria, type I. Last evaluated: 2023-10-27. Review status: criteria provided, single submitter. Criteria: ACMG Guidelines, 2015. Collection method: curation. Allele origin: germline. Affected: yes.
Comment: ACMG:PM2 PM3 PP3 PP6

Literature cited by the submitters: PubMed 30787879 (cited by 3 submitters).